The following is an entry in ClinVar:

NM_001199138.2(NLRC4):c.2350+283T>C

Gene: NLRC4 (NLR family CARD domain containing 4; minus strand). Cytogenetic location: 2p22.3.
Variant type: single nucleotide variant.
Coding change: c.2350+283T>C on transcript NM_001199138.2 (MANE Select); 283 bases into the intron after coding-DNA position 2350, T replaced by C.
Molecular consequence: intron variant.
Genome position (GRCh38, 1-based): chr2:32,240,750, A>G on the plus strand (T>C on the coding strand, the complement: NLRC4 is on the minus strand). VCF-style: chr2-32240750-A-G. GRCh37 (hg19) VCF-style: chr2-32465819-A-G.
Other names: c.355+283T>C (NM_001302504.1); c.2350+283T>C (NM_021209.4, NM_001199139.1).
Identifiers: ClinVar variation 103078 (VCV000103078.2), dbSNP rs199476294, ClinGen allele CA230087.

ClinVar aggregate classification (germline): not provided (0 of 4 stars; one submission).

Allele frequency attached by ClinVar (database versions not stated): 1000 Genomes Project 30x 0.00094; gnomAD 0.00110 and 0.00120; TOPMed 0.00126; 1000 Genomes Project 0.00080.
gnomAD v4.1: 165 of 152,318 alleles (0.11%); highest among the groups gnomAD compares: African/African-American, 0.39%; no homozygotes.

Submission:

Human Evolutionary Genetics, Institut Pasteur
No classification provided. Review status: no classification provided. Collection method: not provided. Allele origin: germline.
ClinVar note: Converted during submission from untested to not provided.